The following is an entry in ClinVar:

NM_000260.4(MYO7A):c.1368C>T (p.Phe456=)

Gene: MYO7A (myosin VIIA; plus strand). Cytogenetic location: 11q13.5.
Variant type: single nucleotide variant.
Coding change: c.1368C>T on transcript NM_000260.4 (MANE Select); coding-DNA position 1368, C replaced by T.
Protein change: p.Phe456=; no amino-acid change (phenylalanine 456 retained).
Molecular consequence: synonymous variant.
Genome position (GRCh38, 1-based): chr11:77,162,144, C>T. VCF-style: chr11-77162144-C-T. GRCh37 (hg19) VCF-style: chr11-76873190-C-T.
Other names: c.1368C>T, p.Phe456= (NM_001127180.2); c.1335C>T, p.Phe445= (NM_001369365.1).
Identifiers: ClinVar variation 227677 (VCV000227677.20), dbSNP rs559209306, ClinGen allele CA6197484.

ClinVar aggregate classification (germline): Conflicting classifications of pathogenicity. Review status: criteria provided, conflicting classifications (1 of 4 stars). 9 submissions from 7 submitters: Uncertain significance (2); Likely benign (6). 1 of the submissions does not count toward it. Last evaluated 2026-01-14.

Conditions:
Usher syndrome type 1 (USH1). Also called: RETINITIS PIGMENTOSA AND CONGENITAL DEAFNESS. Identifiers: Orphanet 231169, Orphanet 886, MedGen C1568247, MONDO:0010168, OMIM 276900.
Autosomal recessive nonsyndromic hearing loss 2. Also called: DEAFNESS, AUTOSOMAL RECESSIVE 2; NEUROSENSORY NONSYNDROMIC RECESSIVE DEAFNESS 2. Identifiers: Orphanet 90636, MedGen C1838701, MONDO:0010807, OMIM 600060.
Autosomal dominant nonsyndromic hearing loss 11. Identifiers: Orphanet 90635, MedGen C1832475, MONDO:0011032, OMIM 601317.
Inborn genetic diseases. Identifiers: MedGen C0950123, MeSH D030342.

Allele frequency attached by ClinVar (database versions not stated): gnomAD 0.00003 and 0.00011; TOPMed 0.00003; 1000 Genomes Project 0.00020; ExAC 0.00022; 1000 Genomes Project 30x 0.00031.
gnomAD v4.1: 157 of 1,602,870 alleles (0.0098%); highest among the groups gnomAD compares: South Asian, 0.12%; no homozygotes.

Submissions (9):

Labcorp Genetics (formerly Invitae), Labcorp
Classification: Likely benign. Last evaluated: 2026-01-14. Review status: criteria provided, single submitter. Criteria: Invitae Variant Classification Sherloc (09022015). Collection method: clinical testing. Allele origin: germline.

Ambry Genetics
Classification: Likely benign for Inborn genetic diseases. Last evaluated: 2024-01-30. Review status: criteria provided, single submitter. Criteria: Ambry Variant Classification Scheme 2023. Collection method: clinical testing. Allele origin: germline.

Blueprint Genetics
Classification: Likely benign. Last evaluated: 2023-11-08. Review status: criteria provided, single submitter. Criteria: ACMG Guidelines, 2015. Collection method: clinical testing. Allele origin: germline.

GeneDx
Classification: Likely benign. Last evaluated: 2020-09-02. Review status: criteria provided, single submitter. Criteria: GeneDx Variant Classification Process June 2021. Collection method: clinical testing. Allele origin: germline. Affected: yes.
Comment: See Variant Classification Assertion Criteria.

Illumina Laboratory Services, Illumina
Classification: Uncertain significance for Autosomal recessive nonsyndromic hearing loss 2. Last evaluated: 2018-01-12. Review status: criteria provided, single submitter. Criteria: ICSL Variant Classification Criteria 13 December 2019. Collection method: clinical testing. Allele origin: germline.

Illumina Laboratory Services, Illumina
Classification: Uncertain significance for Usher syndrome type 1. Last evaluated: 2018-01-12. Review status: criteria provided, single submitter. Criteria: ICSL Variant Classification Criteria 13 December 2019. Collection method: clinical testing. Allele origin: germline.

Illumina Laboratory Services, Illumina
Classification: Likely benign for Autosomal dominant nonsyndromic hearing loss 11. Last evaluated: 2018-01-12. Review status: criteria provided, single submitter. Criteria: ICSL Variant Classification Criteria 13 December 2019. Collection method: clinical testing. Allele origin: germline.
Comment: This variant was observed in the ICSL laboratory as part of a predisposition screen in an ostensibly healthy population. It had not been previously curated by ICSL or reported in the Human Gene Mutation Database (HGMD: prior to June 1st, 2018), and was therefore a candidate for classification through an automated scoring system. Utilizing variant allele frequency, disease prevalence and penetrance estimates, and inheritance mode, an automated score was calculated to assess if this variant is too frequent to cause the disease. Based on the score and internal cut-off values, a variant classified as likely benign is not then subjected to further curation. The score for this variant resulted in a classification of likely benign for this disease.

Laboratory for Molecular Medicine, Mass General Brigham Personalized Medicine
Classification: Likely benign. Last evaluated: 2015-07-31. Review status: criteria provided, single submitter. Criteria: LMM Criteria. Collection method: clinical testing. Allele origin: germline. Observed: 1 variant allele.
Comment: p.Phe456Phe in exon 13 of MYO7A: This variant is not expected to have clinical s ignificance because it does not alter an amino acid residue and is not located w ithin the splice consensus sequence. It has been identified in 0.1% (9/9366) of South Asian chromosomes by the Exome Aggregation Consortium (ExAC; dbSNP rs559209306).

Counsyl
Classification: Likely benign for Usher syndrome type 1; Autosomal recessive nonsyndromic hearing loss 2. Last evaluated: 2016-12-20. Review status: no assertion criteria provided. Collection method: clinical testing. Allele origin: unknown. Not counted in ClinVar's aggregate classification.